The following is an entry in ClinVar:

ClinVar aggregate classification (germline): Uncertain significance (1 of 4 stars; one submission).

Conditions:
Primary ciliary dyskinesia. Also called: Ciliary dyskinesia. Identifiers: Orphanet 244, MedGen C0008780, MONDO:0016575, HP:0012265.

gnomAD v4.1: 23 of 1,206,607 alleles (0.0019%); highest among the groups gnomAD compares: Non-Finnish European, 0.0023%; no homozygotes.

Submission:

Labcorp Genetics (formerly Invitae), Labcorp
Classification: Uncertain significance for Primary ciliary dyskinesia. Last evaluated: 2024-03-02. Review status: criteria provided, single submitter. Criteria: Invitae Variant Classification Sherloc (09022015). Collection method: clinical testing. Allele origin: germline.
Comment: This sequence change replaces asparagine, which is neutral and polar, with threonine, which is neutral and polar, at codon 444 of the RPGR protein (p.Asn444Thr). This variant is present in population databases (no rsID available, gnomAD 0.004%). This variant has not been reported in the literature in individuals affected with RPGR-related conditions. Advanced modeling of protein sequence and biophysical properties (such as structural, functional, and spatial information, amino acid conservation, physicochemical variation, residue mobility, and thermodynamic stability) performed at Invitae indicates that this missense variant is not expected to disrupt RPGR protein function with a negative predictive value of 95%. In summary, the available evidence is currently insufficient to determine the role of this variant in disease. Therefore, it has been classified as a Variant of Uncertain Significance.

NM_001034853.2(RPGR):c.1331A>C (p.Asn444Thr)

Gene: RPGR (retinitis pigmentosa GTPase regulator; minus strand). Cytogenetic location: Xp11.4.
Variant type: single nucleotide variant.
Coding change: c.1331A>C on transcript NM_001034853.2 (MANE Select); coding-DNA position 1331, A replaced by C.
Protein change: p.Asn444Thr; replaces asparagine 444 with threonine.
Molecular consequence: missense variant. On other transcripts: non-coding transcript variant (6).
Genome position (GRCh38, 1-based): chrX:38,297,367, T>G on the plus strand (A>C on the coding strand, the complement: RPGR is on the minus strand). VCF-style: chrX-38297367-T-G. GRCh37 (hg19) VCF-style: chrX-38156620-T-G.
Other names: c.1331A>C, p.Asn444Thr (NM_000328.3, NM_001367247.1); c.1328A>C, p.Asn443Thr (NM_001367245.1, NM_001367249.1, NM_001367250.1); c.1145A>C, p.Asn382Thr (NM_001367246.1, NM_001367251.1); c.1361A>C, p.Asn454Thr (NM_001367248.1); short protein forms N444T, N382T, N443T, N454T.
Identifiers: ClinVar variation 3703150 (VCV003703150.2).